The following is an entry in ClinVar:

ClinVar aggregate classification (germline): Pathogenic (1 of 4 stars; one submission).

Conditions:
3-methylglutaconic aciduria, type VIIB (MGCA7B). Also called: 3-methylglutaconic aciduria, type VII, with cataracts, neurologic involvement and neutropenia; CLPB Deficiency; 3-methylglutaconic aciduria with cataracts, neurologic involvement and neutropenia. Identifiers: Orphanet 445038, MedGen C5676893, MONDO:0014561, OMIM 616271.

Submission:

Women's Health and Genetics/Laboratory Corporation of America, LabCorp
Classification: Pathogenic for 3-methylglutaconic aciduria, type VIIB. Last evaluated: 2026-04-10. Review status: criteria provided, single submitter. Criteria: LabCorp Variant Classification Summary - May 2015. Collection method: clinical testing. Allele origin: germline.
Comment: Variant summary: CLPB c.1582_1583insATTTG (p.Val528AspfsX5) results in a premature termination codon, predicted to cause a truncation of the encoded protein or absence of the protein due to nonsense mediated decay, which are commonly known mechanisms for disease. Loss-of-function variants in this gene are known to be pathogenic. The variant was absent in 251398 control chromosomes. To our knowledge, no occurrence of c.1582_1583insATTTG in individuals affected with CLPB-related conditions and no experimental evidence demonstrating its impact on protein function have been reported. No submitters have cited clinical-significance assessments for this variant to ClinVar. Based on the evidence outlined above, the variant was classified as pathogenic.

NM_001258392.3(CLPB):c.1492_1493insATTTG (p.Val498fs)

Gene: CLPB (ClpB family mitochondrial disaggregase; minus strand). Cytogenetic location: 11q13.4.
Variant type: Insertion.
Coding change: c.1492_1493insATTTG on transcript NM_001258392.3 (MANE Select); coding-DNA positions 1492 to 1493, ATTTG inserted.
Protein change: p.Val498fs; shifts the reading frame from valine 498.
Molecular consequence: frameshift variant.
Genome position: GRCh38 VCF-style: chr11-72294687-A-ACAAAT. GRCh37 (hg19) VCF-style: chr11-72005731-A-ACAAAT.
Other names: c.1405_1406insATTTG, p.Val469fs (NM_001258393.3); c.1447_1448insATTTG, p.Val483fs (NM_001258394.3); c.1582_1583insATTTG, p.Val528fs (NM_030813.6); short protein forms V469fs, V483fs, V498fs, V528fs.
Identifiers: ClinVar variation 4848692 (VCV004848692.1).